The following is an entry in ClinVar:

NM_001040108.2(MLH3):c.20T>A (p.Val7Asp)

Gene: MLH3 (mutL homolog 3; minus strand). Cytogenetic location: 14q24.3.
Variant type: single nucleotide variant.
Coding change: c.20T>A on transcript NM_001040108.2 (MANE Select); coding-DNA position 20, T replaced by A.
Protein change: p.Val7Asp; replaces valine 7 with aspartic acid.
Molecular consequence: missense variant.
Genome position (GRCh38, 1-based): chr14:75,049,636, A>T on the plus strand (T>A on the coding strand, the complement: MLH3 is on the minus strand). VCF-style: chr14-75049636-A-T. GRCh37 (hg19) VCF-style: chr14-75516339-A-T.
Other names: c.20T>A, p.Val7Asp (NM_014381.3); short protein forms V7D.
Identifiers: ClinVar variation 1785889 (VCV001785889.2), dbSNP rs1249743272, ClinGen allele CA390452776.
Genomic context (GRCh38, chr14:75,049,636, plus strand): 5'-TCAACACATTGGCCCAAGGAGCTTATGGCCAAACCAGAACGCAATTTGGCTTGTACTTCA[A>T]CTGACAAGCACTTGATCATGGTAGGTAGAAAGATGGTGAGAATGCCAGGCACTGGTTTCC-3'
Protein context (NP_001035197.1, residues 1-17): MIKCLS[Val7Asp]EVQAKLRSGL

ClinVar aggregate classification (germline): Uncertain significance (1 of 4 stars; one submission).

Submission:

Ambry Genetics
Classification: Uncertain significance. Last evaluated: 2022-06-19. Review status: criteria provided, single submitter. Criteria: Ambry Variant Classification Scheme 2023. Collection method: clinical testing. Allele origin: germline.
Comment: The p.V7D variant (also known as c.20T>A), located in coding exon 1 of the MLH3 gene, results from a T to A substitution at nucleotide position 20. The valine at codon 7 is replaced by aspartic acid, an amino acid with highly dissimilar properties. This amino acid position is conserved. In addition, this alteration is predicted to be tolerated by in silico analysis. Since supporting evidence is limited at this time, the clinical significance of this alteration remains unclear.